The following is an entry in ClinVar:

NM_017752.3(TBC1D8B):c.3233C>T (p.Ala1078Val)

Gene: TBC1D8B (TBC1 domain family member 8B; plus strand). Cytogenetic location: Xq22.3.
Variant type: single nucleotide variant.
Coding change: c.3233C>T on transcript NM_017752.3 (MANE Select); coding-DNA position 3233, C replaced by T.
Protein change: p.Ala1078Val; replaces alanine 1078 with valine.
Molecular consequence: missense variant.
Genome position (GRCh38, 1-based): chrX:106,873,835, C>T. VCF-style: chrX-106873835-C-T. GRCh37 (hg19) VCF-style: chrX-106117065-C-T.
Other names: short protein forms A1078V.
Identifiers: ClinVar variation 1413403 (VCV001413403.7), dbSNP rs199726374, ClinGen allele CA10483517.

ClinVar aggregate classification (germline): Conflicting classifications of pathogenicity. Review status: criteria provided, conflicting classifications (1 of 4 stars). 2 submissions from 2 submitters: Uncertain significance (1); Likely benign (1). Last evaluated 2026-08-01.

Allele frequency attached by ClinVar (database versions not stated): gnomAD exomes 0.00016 and 0.00025; gnomAD 0.00022 and 0.00024; ExAC 0.00025; TOPMed 0.00029.
gnomAD v4.1: 199 of 1,210,492 alleles (0.016%); highest among the groups gnomAD compares: Admixed American, 0.063%; no homozygotes.

Submissions (2):

CeGaT Center for Human Genetics Tuebingen
Classification: Likely benign. Last evaluated: 2026-08-01. Review status: criteria provided, single submitter. Criteria: CeGaT Center For Human Genetics Tuebingen Variant Classification Criteria Version 2. Collection method: clinical testing. Allele origin: germline. Affected: yes. Observed: 1 variant allele.
Comment: TBC1D8B: BP4, BS2

Labcorp Genetics (formerly Invitae), Labcorp
Classification: Uncertain significance. Last evaluated: 2025-11-04. Review status: criteria provided, single submitter. Criteria: Invitae Variant Classification Sherloc (09022015). Collection method: clinical testing. Allele origin: germline.
Comment: This sequence change replaces alanine, which is neutral and non-polar, with valine, which is neutral and non-polar, at codon 1078 of the TBC1D8B protein (p.Ala1078Val). This variant is present in population databases (rs199726374, gnomAD 0.06%), and has an allele count higher than expected for a pathogenic variant. This variant has not been reported in the literature in individuals affected with TBC1D8B-related conditions. ClinVar contains an entry for this variant (Variation ID: 1413403). An algorithm developed to predict the effect of missense changes on protein structure and function (PolyPhen-2) suggests that this variant is likely to be tolerated. In summary, the available evidence is currently insufficient to determine the role of this variant in disease. Therefore, it has been classified as a Variant of Uncertain Significance.